The following is an entry in ClinVar:

NM_001458.5(FLNC):c.7328G>C (p.Arg2443Pro)

Genes: FLNC-AS1 (FLNC antisense RNA 1; minus strand), FLNC (filamin C; plus strand). Cytogenetic location: 7q32.1.
Variant type: single nucleotide variant.
Coding change: c.7328G>C on transcript NM_001458.5 (MANE Select); coding-DNA position 7328, G replaced by C.
Protein change: p.Arg2443Pro; replaces arginine 2443 with proline.
Molecular consequence: missense variant.
Genome position (GRCh38, 1-based): chr7:128,856,594, G>C. VCF-style: chr7-128856594-G-C. GRCh37 (hg19) VCF-style: chr7-128496648-G-C.
Other names: c.7229G>C, p.Arg2410Pro (NM_001127487.2); short protein forms R2410P, R2443P.
Identifiers: ClinVar variation 1449756 (VCV001449756.8), dbSNP rs370293647, ClinGen allele CA369216803.

ClinVar aggregate classification (germline): Uncertain significance (1 of 4 stars; one submission).

Conditions:
Hypertrophic cardiomyopathy 26. Also called: Cardiomyopathy, familial hypertrophic, 26. Identifiers: Orphanet 75249, MedGen C4310749, MONDO:0014883, OMIM 617047.
Myofibrillar myopathy 5. Also called: Filaminopathy (type); FILAMINOPATHY, AUTOSOMAL DOMINANT. Identifiers: Orphanet 171445, MedGen C1836050, MONDO:0012289, OMIM 609524.
Distal myopathy with posterior leg and anterior hand involvement. Also called: WILLIAMS DISTAL MYOPATHY. Identifiers: Orphanet 63273, MedGen C3279722, MONDO:0013550, OMIM 614065.

Submission:

Labcorp Genetics (formerly Invitae), Labcorp
Classification: Uncertain significance for Distal myopathy with posterior leg and anterior hand involvement; Myofibrillar myopathy 5; Hypertrophic cardiomyopathy 26. Last evaluated: 2021-06-01. Review status: criteria provided, single submitter. Criteria: Invitae Variant Classification Sherloc (09022015). Collection method: clinical testing. Allele origin: germline.
Comment: This sequence change replaces arginine with proline at codon 2443 of the FLNC protein (p.Arg2443Pro). The arginine residue is moderately conserved and there is a moderate physicochemical difference between arginine and proline. This variant is not present in population databases (ExAC no frequency). This variant has not been reported in the literature in individuals with FLNC-related conditions. Algorithms developed to predict the effect of missense changes on protein structure and function (SIFT, PolyPhen-2, Align-GVGD) all suggest that this variant is likely to be disruptive, but these predictions have not been confirmed by published functional studies and their clinical significance is uncertain. In summary, the available evidence is currently insufficient to determine the role of this variant in disease. Therefore, it has been classified as a Variant of Uncertain Significance.